The following is an entry in ClinVar:

NM_000090.4(COL3A1):c.4281A>T (p.Thr1427=)

Gene: COL3A1 (collagen type III alpha 1 chain; plus strand). Cytogenetic location: 2q32.2.
Variant type: single nucleotide variant.
Coding change: c.4281A>T on transcript NM_000090.4 (MANE Select); coding-DNA position 4281, A replaced by T.
Protein change: p.Thr1427=; no amino-acid change (threonine 1427 retained).
Molecular consequence: synonymous variant.
Genome position (GRCh38, 1-based): chr2:189,011,654, A>T. VCF-style: chr2-189011654-A-T. GRCh37 (hg19) VCF-style: chr2-189876380-A-T.
Identifiers: ClinVar variation 509692 (VCV000509692.2), dbSNP rs1553510001, ClinGen allele CA430315009.

ClinVar aggregate classification (germline): Likely benign. Review status: criteria provided, multiple submitters, no conflicts (2 of 4 stars). 2 submissions from 2 submitters: Likely benign (2). Last evaluated 2024-06-28.

Conditions:
Familial thoracic aortic aneurysm and aortic dissection (TAAD). Also called: Thoracic aortic aneurysms and dissections. Identifiers: Orphanet 91387, MedGen C4707243, MONDO:0019625.

Submissions (2):

Ambry Genetics
Classification: Likely benign for Familial thoracic aortic aneurysm and aortic dissection. Last evaluated: 2024-06-28. Review status: criteria provided, single submitter. Criteria: Ambry Variant Classification Scheme 2023. Collection method: clinical testing. Allele origin: germline.

GeneDx
Classification: Likely benign. Last evaluated: 2017-05-18. Review status: criteria provided, single submitter. Criteria: GeneDx Variant Classification (06012015). Collection method: clinical testing. Allele origin: germline. Affected: yes.
Comment: This variant is considered likely benign or benign based on one or more of the following criteria: it is a conservative change, it occurs at a poorly conserved position in the protein, it is predicted to be benign by multiple in silico algorithms, and/or has population frequency not consistent with disease.